The following is an entry in ClinVar:

NM_000152.5(GAA):c.2332-198A>T

Gene: GAA (alpha glucosidase; plus strand). Cytogenetic location: 17q25.3.
Variant type: single nucleotide variant.
Coding change: c.2332-198A>T on transcript NM_000152.5 (MANE Select); 198 bases into the intron before coding-DNA position 2332, A replaced by T.
Molecular consequence: intron variant.
Genome position (GRCh38, 1-based): chr17:80,117,402, A>T. VCF-style: chr17-80117402-A-T. GRCh37 (hg19) VCF-style: chr17-78091201-A-T.
Other names: NC_000017.10:g.78091201A>T; c.2332-198A>T (NM_001079803.3, NM_001079804.3).
Identifiers: ClinVar variation 680261 (VCV000680261.4), dbSNP rs2304830, ClinGen allele CA14478735.

ClinVar aggregate classification (germline): Benign. Review status: criteria provided, multiple submitters, no conflicts (2 of 4 stars). 3 submissions from 3 submitters: Benign (3). Last evaluated 2026-07-01.

Conditions:
Glycogen storage disease, type II (IOPD). Also called: Pompe Disease; CARDIOMEGALIA GLYCOGENICA DIFFUSA; GLYCOGENOSIS, GENERALIZED, CARDIAC FORM; GSD II; POMPE DISEASE, INFANTILE-ONSET; GLYCOGEN STORAGE DISEASE II, INFANTILE-ONSET. Identifiers: Orphanet 365, MedGen C0017921, MONDO:0009290, OMIM 232300.

Allele frequency attached by ClinVar (database versions not stated): TOPMed 0.70298; 1000 Genomes Project 30x 0.71424; 1000 Genomes Project 0.71426; gnomAD 0.71964 and 0.72191.
gnomAD v4.1: 109,722 of 152,110 alleles (72%); highest among the groups gnomAD compares: Middle Eastern, 86%; 39,850 homozygotes.

Submissions (4):

Genomenon, Inc
Classification: Benign for Glycogen storage disease, type II. Last evaluated: 2026-07-01. Review status: criteria provided, single submitter. Criteria: Genomenon Sequence Variant Interpretation Standards - Updated. Collection method: curation. Allele origin: germline. Affected: no.
Comment: GAA c.2332-198A>T is an intronic variant located in intron 16. This variant is present at high allele frequency in population databases. We classify GAA c.2332-198A>T as a benign variant.

GeneDx
Classification: Benign. Last evaluated: 2018-06-14. Review status: criteria provided, single submitter. Criteria: GeneDx Variant Classification (06012015). Collection method: clinical testing. Allele origin: germline. Affected: yes.
Comment: This variant is considered likely benign or benign based on one or more of the following criteria: it is a conservative change, it occurs at a poorly conserved position in the protein, it is predicted to be benign by multiple in silico algorithms, and/or has population frequency not consistent with disease.

Breakthrough Genomics
Classification: Benign. Review status: criteria provided, single submitter. Criteria: ACMG Guidelines, 2015. Collection method: not provided. Allele origin: germline. Inheritance: Autosomal recessive inheritance. Affected: yes.

Dr. Peter K. Rogan Lab, Western University
No classification provided (evidence only). Condition: Malignant lymphoma, large B-cell, diffuse. Review status: no classification provided. Collection method: in vitro. Allele origin: not applicable. Functional consequence: retained intron. Not counted in ClinVar's aggregate classification.